The following is an entry in ClinVar:

NM_000245.4(MET):c.*1987C>T

Gene: MET (MET proto-oncogene, receptor tyrosine kinase; plus strand). Cytogenetic location: 7q31.2.
Variant type: single nucleotide variant.
Coding change: c.*1987C>T on transcript NM_000245.4 (MANE Select); 1987 bases downstream of the stop codon, C replaced by T.
Molecular consequence: 3 prime UTR variant.
Genome position (GRCh38, 1-based): chr7:116,798,111, C>T. VCF-style: chr7-116798111-C-T. GRCh37 (hg19) VCF-style: chr7-116438165-C-T.
Other names: c.*1987C>T (LRG_662t1, NM_001127500.3, NM_001324402.2).
Identifiers: ClinVar variation 358725 (VCV000358725.5), dbSNP rs76322625, ClinGen allele CA10623079.

ClinVar aggregate classification (germline): Benign (1 of 4 stars; one submission).

Conditions:
Papillary renal cell carcinoma type 1 (RCCP1). Also called: RENAL CELL CARCINOMA, PAPILLARY, 1, SOMATIC; Renal adenocarcinoma; Renal cell carcinoma 1; Renal cell carcinoma, somatic. Identifiers: Orphanet 47044, MedGen C1336839, OMIM 605074, HP:0011797.

Allele frequency attached by ClinVar (database versions not stated): gnomAD exomes 0.00091; gnomAD 0.00468 and 0.00499; 1000 Genomes Project 0.00479; TOPMed 0.00492; 1000 Genomes Project 30x 0.00500.
gnomAD v4.1: 774 of 220,664 alleles (0.35%); highest among the groups gnomAD compares: African/African-American, 1.6%; 5 homozygotes.

Submission:

Illumina Laboratory Services, Illumina
Classification: Benign for Papillary renal cell carcinoma type 1. Last evaluated: 2018-01-12. Review status: criteria provided, single submitter. Criteria: ICSL Variant Classification Criteria 13 December 2019. Collection method: clinical testing. Allele origin: germline.
Comment: This variant was observed in the ICSL laboratory as part of a predisposition screen in an ostensibly healthy population. It had not been previously curated by ICSL or reported in the Human Gene Mutation Database (HGMD: prior to June 1st, 2018), and was therefore a candidate for classification through an automated scoring system. Utilizing variant allele frequency, disease prevalence and penetrance estimates, and inheritance mode, an automated score was calculated to assess if this variant is too frequent to cause the disease. Based on the score and internal cut-off values, a variant classified as benign is not then subjected to further curation. The score for this variant resulted in a classification of benign for this disease.